The following is an entry in ClinVar:

NM_080669.6(SLC46A1):c.904A>C (p.Lys302Gln)

Gene: SLC46A1 (solute carrier family 46 member 1; minus strand). Cytogenetic location: 17q11.2.
Variant type: single nucleotide variant.
Coding change: c.904A>C on transcript NM_080669.6 (MANE Select); coding-DNA position 904, A replaced by C.
Protein change: p.Lys302Gln; replaces lysine 302 with glutamine.
Molecular consequence: missense variant.
Genome position (GRCh38, 1-based): chr17:28,404,793, T>G on the plus strand (A>C on the coding strand, the complement: SLC46A1 is on the minus strand). VCF-style: chr17-28404793-T-G. GRCh37 (hg19) VCF-style: chr17-26731811-T-G.
Other names: c.904A>C, p.Lys302Gln (NM_001242366.3); short protein forms K302Q.
Identifiers: ClinVar variation 322405 (VCV000322405.8), dbSNP rs886052755, ClinGen allele CA10639257.

ClinVar aggregate classification (germline): Uncertain significance. Review status: criteria provided, multiple submitters, no conflicts (2 of 4 stars). 3 submissions from 3 submitters: Uncertain significance (3). Last evaluated 2025-01-27.

Conditions:
Congenital defect of folate absorption. Also called: Hereditary Folate Malabsorption. Identifiers: Orphanet 90045, MedGen C0342705, MONDO:0009238, OMIM 229050.
Inborn genetic diseases. Identifiers: MedGen C0950123, MeSH D030342.

Allele frequency attached by ClinVar (database versions not stated): TOPMed 0.00002.

Submissions (3):

Ambry Genetics
Classification: Uncertain significance for Inborn genetic diseases. Last evaluated: 2025-01-27. Review status: criteria provided, single submitter. Criteria: Ambry Variant Classification Scheme 2023. Collection method: clinical testing. Allele origin: germline.

Labcorp Genetics (formerly Invitae), Labcorp
Classification: Uncertain significance. Last evaluated: 2022-10-05. Review status: criteria provided, single submitter. Criteria: Invitae Variant Classification Sherloc (09022015). Collection method: clinical testing. Allele origin: germline.
Comment: This sequence change replaces lysine, which is basic and polar, with glutamine, which is neutral and polar, at codon 302 of the SLC46A1 protein (p.Lys302Gln). This variant is not present in population databases (gnomAD no frequency). This variant has not been reported in the literature in individuals affected with SLC46A1-related conditions. ClinVar contains an entry for this variant (Variation ID: 322405). In summary, the available evidence is currently insufficient to determine the role of this variant in disease. Therefore, it has been classified as a Variant of Uncertain Significance.

Illumina Laboratory Services, Illumina
Classification: Uncertain significance for Congenital defect of folate absorption. Last evaluated: 2018-01-13. Review status: criteria provided, single submitter. Criteria: ICSL Variant Classification Criteria 13 December 2019. Collection method: clinical testing. Allele origin: germline.